The following is an entry in ClinVar:

NM_002972.4(SBF1):c.3058A>G (p.Ile1020Val)

Gene: SBF1 (SET binding factor 1; minus strand). Cytogenetic location: 22q13.33.
Variant type: single nucleotide variant.
Coding change: c.3058A>G on transcript NM_002972.4 (MANE Select); coding-DNA position 3058, A replaced by G.
Protein change: p.Ile1020Val; replaces isoleucine 1020 with valine.
Molecular consequence: missense variant.
Genome position (GRCh38, 1-based): chr22:50,460,622, T>C on the plus strand (A>G on the coding strand, the complement: SBF1 is on the minus strand). VCF-style: chr22-50460622-T-C. GRCh37 (hg19) VCF-style: chr22-50899051-T-C.
Other names: p.Ile1020Val; c.3061A>G, p.Ile1021Val (NM_001365819.1); c.3058A>G (NM_002972.3, NM_002972.2); short protein forms I1021V, I1020V.
Identifiers: ClinVar variation 1521553 (VCV001521553.7), dbSNP rs560106517, ClinGen allele CA10316900.

ClinVar aggregate classification (germline): Conflicting classifications of pathogenicity. Review status: criteria provided, conflicting classifications (1 of 4 stars). 3 submissions from 3 submitters: Uncertain significance (2); Likely benign (1). Last evaluated 2024-11-24.

Allele frequency attached by ClinVar (database versions not stated): gnomAD exomes 0.00001 and 0.00005; ExAC 0.00002; gnomAD 0.00003; TOPMed 0.00003; 1000 Genomes Project 0.00020; 1000 Genomes Project 30x 0.00031.
gnomAD v4.1: 74 of 1,614,086 alleles (0.0046%); highest among the groups gnomAD compares: Non-Finnish European, 0.0063%; no homozygotes.

Submissions (3):

Ambry Genetics
Classification: Likely benign. Last evaluated: 2024-11-24. Review status: criteria provided, single submitter. Criteria: Ambry Variant Classification Scheme 2023. Collection method: clinical testing. Allele origin: germline.

Mayo Clinic Laboratories, Mayo Clinic
Classification: Uncertain significance. Last evaluated: 2022-03-15. Review status: criteria provided, single submitter. Criteria: ACMG Guidelines, 2015. Collection method: clinical testing. Allele origin: germline. Observed: 1 variant allele.
Comment: BP4, PM2

Labcorp Genetics (formerly Invitae), Labcorp
Classification: Uncertain significance. Last evaluated: 2021-08-27. Review status: criteria provided, single submitter. Criteria: Invitae Variant Classification Sherloc (09022015). Collection method: clinical testing. Allele origin: germline.
Comment: This sequence change replaces isoleucine with valine at codon 1020 of the SBF1 protein (p.Ile1020Val). The isoleucine residue is weakly conserved and there is a small physicochemical difference between isoleucine and valine. This variant is present in population databases (rs560106517, ExAC 0.003%). This variant has not been reported in the literature in individuals affected with SBF1-related conditions. Algorithms developed to predict the effect of missense changes on protein structure and function output the following: SIFT: "Tolerated"; PolyPhen-2: "Benign"; Align-GVGD: "Class C0". The valine amino acid residue is found in multiple mammalian species, which suggests that this missense change does not adversely affect protein function. In summary, the available evidence is currently insufficient to determine the role of this variant in disease. Therefore, it has been classified as a Variant of Uncertain Significance.